The following is an entry in ClinVar:

ClinVar aggregate classification (germline): Pathogenic (1 of 4 stars; one submission).

Conditions:
Hereditary cancer-predisposing syndrome. Also called: Neoplastic Syndromes, Hereditary; Tumor predisposition; Hereditary Cancer Syndrome; Hereditary neoplastic syndrome. Identifiers: Orphanet 140162, MedGen C0027672, MeSH D009386, MONDO:0015356.

Submission:

Ambry Genetics
Classification: Pathogenic for Hereditary cancer-predisposing syndrome. Last evaluated: 2019-06-24. Review status: criteria provided, single submitter. Criteria: Ambry Variant Classification Scheme 2023. Collection method: clinical testing. Allele origin: germline.
Comment: The c.3870delA pathogenic mutation, located in coding exon 9 of the BRCA1 gene, results from a deletion of one nucleotide at nucleotide position 3870, causing a translational frameshift with a predicted alternate stop codon. This alteration is expected to result in loss of function by premature protein truncation or nonsense-mediated mRNA decay. As such, this alteration is interpreted as a disease-causing mutation.

NM_007294.4(BRCA1):c.3870del (p.Lys1290fs)

Genes: BRCA1 (BRCA1 DNA repair associated; minus strand), LOC126862571 (BRD4-independent group 4 enhancer GRCh37_chr17:41243136-41244335; plus strand). Cytogenetic location: 17q21.31.
Variant type: Deletion.
Coding change: c.3870del on transcript NM_007294.4 (MANE Select); coding-DNA position 3870, one base deleted (A; older notation c.3870delA).
Protein change: p.Lys1290fs; shifts the reading frame from lysine 1290.
Molecular consequence: frameshift variant. On other transcripts: intron variant (135).
Genome position (GRCh38, 1-based): chr17:43,091,661, T deleted on the plus strand (A on the coding strand, the reverse complement: BRCA1 is on the minus strand); the first of 4 consecutive T bases (chr17:43,091,661-43,091,664); deleting any one gives the same sequence. VCF-style (leftmost placement, unchanged base first): chr17-43091660-AT-A. GRCh37 (hg19) VCF-style: chr17-41243677-AT-A.
Other names: c.785-629del (NM_001407984.1, NM_001408398.1, NM_001407992.1 and 13 more transcripts); c.665-629del (NM_001408443.1, NM_001408439.1, NM_001408425.1 and 12 more transcripts); c.671-629del (NM_001408419.1, NM_001408422.1, NM_001408418.1 and 2 more transcripts); c.788-629del (NM_001408403.1, NM_001407983.1, NM_001407975.1 and 17 more transcripts); c.791-638del (NM_001408406.1); c.647-629del (NM_001408456.1, NM_001408410.1, NM_001408458.1 and 11 more transcripts); c.644-629del (NM_001408465.1, NM_001408463.1, NM_001408462.1 and 3 more transcripts); c.578-629del (NM_001408482.1, NM_001408484.1, NM_001408478.1 and 9 more transcripts); and 42 more; short protein forms K1243fs, K1290fs, K1163fs, K1220fs, K1242fs, K1289fs, K994fs, K1122fs.
Identifiers: ClinVar variation 1735711 (VCV001735711.2), dbSNP rs80357918, ClinGen allele CA2580094265.